The following is an entry in ClinVar:

NM_001377.3(DYNC2H1):c.523G>T (p.Glu175Ter)

Gene: DYNC2H1 (dynein cytoplasmic 2 heavy chain 1; plus strand). Cytogenetic location: 11q22.3.
Variant type: single nucleotide variant.
Coding change: c.523G>T on transcript NM_001377.3 (MANE Select); coding-DNA position 523, G replaced by T.
Protein change: p.Glu175Ter; replaces glutamic acid 175 with a stop codon.
Molecular consequence: nonsense.
Genome position (GRCh38, 1-based): chr11:103,115,197, G>T. VCF-style: chr11-103115197-G-T. GRCh37 (hg19) VCF-style: chr11-102985926-G-T.
Other names: c.523G>T, p.Glu175Ter (NM_001080463.2); short protein forms E175*.
Identifiers: ClinVar variation 5013889 (VCV005013889.1).

ClinVar aggregate classification (germline): Pathogenic (1 of 4 stars; one submission).

Conditions:
Asphyxiating thoracic dystrophy 3. Also called: Saldino-Noonan Syndrome; SHORT-RIB THORACIC DYSPLASIA 3 WITH OR WITHOUT POLYDACTYLY; POLYDACTYLY WITH NEONATAL CHONDRODYSTROPHY, TYPE I; SHORT-RIB THORACIC DYSPLASIA 3/6 WITH POLYDACTYLY, DIGENIC; Short rib polydactyly syndrome 2B. Identifiers: Orphanet 474, Orphanet 93269, Orphanet 93270, Orphanet 93271, MedGen C0036069, MONDO:0013127, OMIM 613091.

Submission:

Myriad Genetics, Inc.
Classification: Pathogenic for Asphyxiating thoracic dystrophy 3. Last evaluated: 2024-12-24. Review status: criteria provided, single submitter. Criteria: Myriad Autosomal Dominant, Autosomal Recessive and X-Linked Classification Criteria (2023). Collection method: clinical testing. Allele origin: unknown.
Comment: NM_001377.2(DYNC2H1):c.523G>T(E175*) is expected to be pathogenic in the context of DYNC2H1-related disorders. This variant is predicted to lead to an abnormal or absent protein product due to the creation of a premature termination codon in DYNC2H1, a gene where loss-of-function variants are known to be pathogenic. Please note: this variant was assessed in the context of healthy population screening.